The following is an entry in ClinVar:

ClinVar aggregate classification (germline): Conflicting classifications of pathogenicity. Review status: criteria provided, conflicting classifications (1 of 4 stars). 5 submissions from 5 submitters: Pathogenic (1); Uncertain significance (4). Last evaluated 2022-11-01.

Conditions:
TGFBR2-related disorder. Also called: TGFBR2-related condition.
Familial thoracic aortic aneurysm and aortic dissection (TAAD). Also called: Thoracic aortic aneurysms and dissections. Identifiers: Orphanet 91387, MedGen C4707243, MONDO:0019625.
Loeys-Dietz syndrome 2 (LDS2). Also called: TGFBR2-Related Loeys-Dietz Syndrome; Marfan syndrome, type 2 (formerly); AORTIC ANEURYSM, FAMILIAL THORACIC 3; MARFAN SYNDROME, TYPE II; Marfan Syndrome type 2; Marfan like connective tissue disorder. Identifiers: Orphanet 284973, Orphanet 558, MedGen C2674574, MONDO:0012427, OMIM 610168.

Submissions (5):

Blueprint Genetics
Classification: Pathogenic for TGFBR2-related disorders. Last evaluated: 2022-11-01. Review status: criteria provided, single submitter. Criteria: ACMG Guidelines, 2015. Collection method: clinical testing. Allele origin: germline. Affected: yes. Observed: 1 variant allele.

Centre of Medical Genetics, University of Antwerp
Classification: Uncertain significance for Loeys-Dietz syndrome 2. Last evaluated: 2021-03-01. Review status: criteria provided, single submitter. Criteria: ACMG Guidelines, 2015. Collection method: research. Allele origin: unknown. Affected: yes.
Comment: PM2, PP3, PM1

Labcorp Genetics (formerly Invitae), Labcorp
Classification: Uncertain significance for Familial thoracic aortic aneurysm and aortic dissection. Last evaluated: 2020-08-07. Review status: criteria provided, single submitter. Criteria: Invitae Variant Classification Sherloc (09022015). Collection method: clinical testing. Allele origin: germline.
Comment: In summary, the available evidence is currently insufficient to determine the role of this variant in disease. Therefore, it has been classified as a Variant of Uncertain Significance. Algorithms developed to predict the effect of missense changes on protein structure and function (SIFT, PolyPhen-2, Align-GVGD) all suggest that this variant is likely to be disruptive, but these predictions have not been confirmed by published functional studies and their clinical significance is uncertain. This variant has been observed in individuals with clinical features of Loeys-Dietz syndrome, Marfan syndrome, or thoracic aortic aneurysm and dissection (PMID: 24793577, 27879313, Invitae). ClinVar contains an entry for this variant (Variation ID: 165392). This variant is not present in population databases (ExAC no frequency). This sequence change replaces arginine with proline at codon 339 of the TGFBR2 protein (p.Arg339Pro). The arginine residue is highly conserved and there is a moderate physicochemical difference between arginine and proline.

Revvity Omics, Revvity
Classification: Uncertain significance. Last evaluated: 2019-05-01. Review status: criteria provided, single submitter. Criteria: ACMG Guidelines, 2015. Collection method: clinical testing. Allele origin: germline.

Laboratory for Molecular Medicine, Mass General Brigham Personalized Medicine
Classification: Uncertain significance. Last evaluated: 2015-11-10. Review status: criteria provided, single submitter. Criteria: LMM Criteria. Collection method: clinical testing. Allele origin: germline. Observed: 1 variant allele.
Comment: proposed classification - variant undergoing re-assessment, contact laboratory

Literature cited by the submitters: PubMed 24793577 (cited by Labcorp Genetics (formerly Invitae), Labcorp and Laboratory for Molecular Medicine, Mass General Brigham Personalized Medicine); PubMed 27879313 (cited by Labcorp Genetics (formerly Invitae), Labcorp).

NM_003242.6(TGFBR2):c.1016G>C (p.Arg339Pro)

Gene: TGFBR2 (transforming growth factor beta receptor 2; plus strand). Cytogenetic location: 3p24.1.
Variant type: single nucleotide variant.
Coding change: c.1016G>C on transcript NM_003242.6 (MANE Select); coding-DNA position 1016, G replaced by C.
Protein change: p.Arg339Pro; replaces arginine 339 with proline.
Molecular consequence: missense variant.
Genome position (GRCh38, 1-based): chr3:30,672,199, G>C. VCF-style: chr3-30672199-G-C. GRCh37 (hg19) VCF-style: chr3-30713691-G-C.
Other names: c.911G>C, p.Arg304Pro (NM_001407134.1, NM_001407135.1, NM_001407136.1 and 2 more transcripts); c.731G>C, p.Arg244Pro (NM_001407137.1); c.656G>C, p.Arg219Pro (NM_001407138.1); c.1091G>C, p.Arg364Pro (NM_001024847.3); c.1199G>C, p.Arg400Pro (NM_001407126.1); c.1124G>C, p.Arg375Pro (NM_001407127.1); c.1043G>C, p.Arg348Pro (NM_001407128.1); c.1019G>C, p.Arg340Pro (NM_001407129.1); and 1 more; short protein forms R339P, R364P, R219P, R304P, R348P, R375P, R244P, R400P.
Identifiers: ClinVar variation 165392 (VCV000165392.33), dbSNP rs727503473, ClinGen allele CA020579.
Genomic context (GRCh38, chr3:30,672,199, plus strand): 5'-AACAATACTGGCTGATCACCGCCTTCCACGCCAAGGGCAACCTACAGGAGTACCTGACGC[G>C]GCATGTCATCAGCTGGGAGGACCTGCGCAAGCTGGGCAGCTCCCTCGCCCGGGGGATTGC-3'
Protein context (NP_003233.4, residues 329-349): AKGNLQEYLT[Arg339Pro]HVISWEDLRK